The following is an entry in ClinVar:

ClinVar aggregate classification (germline): Uncertain significance (1 of 4 stars; one submission).

Conditions:
Wilson-Turner syndrome (WTS). Also called: INTELLECTUAL DEVELOPMENTAL DISORDER, X-LINKED, SYNDROMIC, WILSON-TURNER TYPE; MENTAL RETARDATION, X-LINKED, SYNDROMIC 6. Identifiers: Orphanet 3459, MedGen C1839736, MONDO:0010665, OMIM 309585.

gnomAD v4.1: 23 of 1,205,877 alleles (0.0019%); highest among the groups gnomAD compares: Non-Finnish European, 0.0025%; no homozygotes.

Submission:

Labcorp Genetics (formerly Invitae), Labcorp
Classification: Uncertain significance for Wilson-Turner syndrome. Last evaluated: 2024-09-30. Review status: criteria provided, single submitter. Criteria: Invitae Variant Classification Sherloc (09022015). Collection method: clinical testing. Allele origin: germline.
Comment: This sequence change replaces arginine, which is basic and polar, with glutamine, which is neutral and polar, at codon 646 of the LAS1L protein (p.Arg646Gln). This variant is present in population databases (rs755113452, gnomAD 0.003%). This variant has not been reported in the literature in individuals affected with LAS1L-related conditions. Invitae Evidence Modeling of protein sequence and biophysical properties (such as structural, functional, and spatial information, amino acid conservation, physicochemical variation, residue mobility, and thermodynamic stability) indicates that this missense variant is not expected to disrupt LAS1L protein function with a negative predictive value of 80%. In summary, the available evidence is currently insufficient to determine the role of this variant in disease. Therefore, it has been classified as a Variant of Uncertain Significance.

NM_031206.7(LAS1L):c.1937G>A (p.Arg646Gln)

Gene: LAS1L (LAS1 like ribosome biogenesis factor; minus strand). Cytogenetic location: Xq12.
Variant type: single nucleotide variant.
Coding change: c.1937G>A on transcript NM_031206.7 (MANE Select); coding-DNA position 1937, G replaced by A.
Protein change: p.Arg646Gln; replaces arginine 646 with glutamine.
Molecular consequence: missense variant. On other transcripts: non-coding transcript variant (1).
Genome position (GRCh38, 1-based): chrX:65,514,964, C>T on the plus strand (G>A on the coding strand, the complement: LAS1L is on the minus strand). VCF-style: chrX-65514964-C-T. GRCh37 (hg19) VCF-style: chrX-64734844-C-T.
Other names: c.1886G>A, p.Arg629Gln (NM_001170649.2); c.1760G>A, p.Arg587Gln (NM_001170650.2); c.1934G>A, p.Arg645Gln (NM_001375328.1); c.980G>A, p.Arg327Gln (NM_001375332.1); c.1883G>A, p.Arg628Gln (NM_001375333.1); short protein forms R646Q, R587Q, R645Q, R327Q, R629Q, R628Q.
Identifiers: ClinVar variation 3702839 (VCV003702839.2).